The following is an entry in ClinVar:

NM_000197.2(HSD17B3):c.203T>G (p.Leu68Arg)

Genes: HSD17B3 (hydroxysteroid 17-beta dehydrogenase 3; minus strand), SLC35D2-HSD17B3 (SLC35D2-HSD17B3 readthrough; minus strand). Cytogenetic location: 9q22.32.
Variant type: single nucleotide variant.
Coding change: c.203T>G on transcript NM_000197.2 (MANE Select); coding-DNA position 203, T replaced by G.
Protein change: p.Leu68Arg; replaces leucine 68 with arginine.
Molecular consequence: missense variant. On other transcripts: non-coding transcript variant (1).
Genome position (GRCh38, 1-based): chr9:96,254,942, A>C on the plus strand (T>G on the coding strand, the complement: HSD17B3 is on the minus strand). VCF-style: chr9-96254942-A-C. GRCh37 (hg19) VCF-style: chr9-99017224-A-C.
Other names: short protein forms L68R.
Identifiers: ClinVar variation 2674665 (VCV002674665.2), dbSNP rs2490091018, ClinGen allele CA374126323.

ClinVar aggregate classification (germline): Conflicting classifications of pathogenicity. Review status: criteria provided, conflicting classifications (1 of 4 stars). 2 submissions from 2 submitters: Pathogenic (1); Uncertain significance (1). Last evaluated 2024-07-30.

Conditions:
Testosterone 17-beta-dehydrogenase deficiency. Also called: 17-beta hydroxysteroid dehydrogenase 3 deficiency; 46,XY disorder of sex development due to 17-beta-hydroxysteroid dehydrogenase 3 deficiency; Pseudohermaphroditism male with gynecomastia; 17 alpha ketosteroid reductase deficiency of testis; 17 alpha KSR deficiency; Neutral 17 beta hydroxysteroid oxidoreductase deficiency. Identifiers: Orphanet 752, MedGen C0268296, MONDO:0009916, OMIM 264300. Disease mechanism: loss of function.

Submissions (2):

Women's Health and Genetics/Laboratory Corporation of America, LabCorp
Classification: Uncertain significance. Last evaluated: 2024-07-30. Review status: criteria provided, single submitter. Criteria: LabCorp Variant Classification Summary - May 2015. Collection method: clinical testing. Allele origin: germline.
Comment: Variant summary: HSD17B3 c.203T>G (p.Leu68Arg) results in a non-conservative amino acid change in the encoded protein sequence. Five of five in-silico tools predict a damaging effect of the variant on protein function. Consensus agreement among computation tools predict no significant impact on normal splicing. However, these predictions have yet to be confirmed by functional studies. The variant was absent in 249904 control chromosomes. The available data on variant occurrences in the general population are insufficient to allow any conclusion about variant significance. c.203T>G has been reported in the literature in one individual affected with Testosterone 17-beta-dehydrogenase deficiency (Phelan_2015). These data do not allow any conclusion about variant significance. To our knowledge, no experimental evidence demonstrating an impact on protein function has been reported. The following publication has been ascertained in the context of this evaluation (PMID: 25740850). ClinVar contains an entry for this variant (Variation ID: 2674665). Based on the evidence outlined above, the variant was classified as uncertain significance.

Clinical Biochemistry Laboratory, Health Services Laboratory
Classification: Pathogenic for Testosterone 17-beta-dehydrogenase deficiency. Last evaluated: 2023-11-20. Review status: criteria provided, single submitter. Criteria: ACMG Guidelines, 2015. Collection method: clinical testing. Allele origin: germline. Affected: yes.
Comment: ACMG:PS5 PM1 PM2 PM3 PP2 PP3

Literature cited by the submitters: PubMed 25740850 (cited by Women's Health and Genetics/Laboratory Corporation of America, LabCorp and Clinical Biochemistry Laboratory, Health Services Laboratory).